The following is an entry in ClinVar:

NM_000038.6(APC):c.2926A>T (p.Arg976Ter)

Gene: APC (APC regulator of Wnt signaling pathway; plus strand). Cytogenetic location: 5q22.2.
Variant type: single nucleotide variant.
Coding change: c.2926A>T on transcript NM_000038.6 (MANE Select); coding-DNA position 2926, A replaced by T.
Protein change: p.Arg976Ter; replaces arginine 976 with a stop codon.
Molecular consequence: nonsense. On other transcripts: non-coding transcript variant (2).
Genome position (GRCh38, 1-based): chr5:112,838,520, A>T. VCF-style: chr5-112838520-A-T. GRCh37 (hg19) VCF-style: chr5-112174217-A-T.
Other names: c.2926A>T, p.Arg976Ter (NM_001127510.3, NM_001354895.2, NM_001407450.1); c.2872A>T, p.Arg958Ter (NM_001127511.3); c.2980A>T, p.Arg994Ter (NM_001354896.2, NM_001407447.1, NM_001407448.1 and 1 more transcripts); c.2956A>T, p.Arg986Ter (NM_001354897.2); c.2851A>T, p.Arg951Ter (NM_001354898.2); c.2842A>T, p.Arg948Ter (NM_001354899.2); c.2803A>T, p.Arg935Ter (NM_001354900.2); c.2749A>T, p.Arg917Ter (NM_001354901.2, NM_001407453.1); and 11 more; short protein forms R592*, R917*, R935*, R948*, R1004*, R885*, R976*, R986*.
Identifiers: ClinVar variation 3410382 (VCV003410382.1).

ClinVar aggregate classification (germline): Pathogenic (1 of 4 stars; one submission).

Conditions:
Hereditary cancer-predisposing syndrome. Also called: Neoplastic Syndromes, Hereditary; Tumor predisposition; Hereditary Cancer Syndrome; Hereditary neoplastic syndrome. Identifiers: Orphanet 140162, MedGen C0027672, MeSH D009386, MONDO:0015356.

Submission:

Ambry Genetics
Classification: Pathogenic for Hereditary cancer-predisposing syndrome. Last evaluated: 2024-09-04. Review status: criteria provided, single submitter. Criteria: Ambry Variant Classification Scheme 2023. Collection method: clinical testing. Allele origin: germline.
Comment: The p.R976* pathogenic mutation (also known as c.2926A>T), located in coding exon 15 of the APC gene, results from an A to T substitution at nucleotide position 2926. This changes the amino acid from an arginine to a stop codon within coding exon 15. This alteration occurs at the 3' terminus of theAPC gene, is not expected to trigger nonsense-mediated mRNA decay, and impacts the last 66% of the protein. However, premature stop codons are typically deleterious in nature and a significant portion of the protein is affected (Ambry internal data). This variant is considered to be rare based on population cohorts in the Genome Aggregation Database (gnomAD). Based on the supporting evidence, this variant is interpreted as a disease-causing mutation.